The following is an entry in ClinVar:

NM_001048174.2(MUTYH):c.1400G>C (p.Arg467Pro)

Gene: MUTYH (mutY DNA glycosylase; minus strand). Cytogenetic location: 1p34.1.
Variant type: single nucleotide variant.
Coding change: c.1400G>C on transcript NM_001048174.2 (MANE Select); coding-DNA position 1400, G replaced by C.
Protein change: p.Arg467Pro; replaces arginine 467 with proline.
Molecular consequence: missense variant. On other transcripts: non-coding transcript variant (2).
Genome position (GRCh38, 1-based): chr1:45,330,550, C>G on the plus strand (G>C on the coding strand, the complement: MUTYH is on the minus strand). VCF-style: chr1-45330550-C-G. GRCh37 (hg19) VCF-style: chr1-45796222-C-G.
Other names: c.1400G>C, p.Arg467Pro (NM_001048171.2, NM_001048173.2, NM_001293195.2); c.1403G>C, p.Arg468Pro (NM_001048172.2); c.1484G>C, p.Arg495Pro (NM_001128425.2); c.1445G>C, p.Arg482Pro (NM_001293190.2); c.1433G>C, p.Arg478Pro (NM_001293191.2); c.1124G>C, p.Arg375Pro (NM_001293192.2, NM_001293196.2); c.1055G>C, p.Arg352Pro (NM_001350650.2, NM_001350651.2); c.1475G>C, p.Arg492Pro (NM_012222.3); short protein forms R352P, R492P, R375P, R467P, R468P, R478P, R482P, R495P.
Identifiers: ClinVar variation 962744 (VCV000962744.2), dbSNP rs144111588, ClinGen allele CA340132399.

ClinVar aggregate classification (germline): Uncertain significance. Review status: criteria provided, multiple submitters, no conflicts (2 of 4 stars). 2 submissions from 2 submitters: Uncertain significance (2). Last evaluated 2024-05-13.

Conditions:
Familial adenomatous polyposis 2. Also called: COLORECTAL ADENOMATOUS POLYPOSIS, AUTOSOMAL RECESSIVE; ADENOMAS, MULTIPLE COLORECTAL, AUTOSOMAL RECESSIVE; MYH-associated polyposis; FAP type 2; MUTYH-associated polyposis; MUTYH-related attenuated familial adenomatous polyposis. Identifiers: Orphanet 220460, Orphanet 247798, MedGen C3272841, MONDO:0012041, OMIM 608456.

Submissions (2):

Women's Health and Genetics/Laboratory Corporation of America, LabCorp
Classification: Uncertain significance. Last evaluated: 2024-05-13. Review status: criteria provided, single submitter. Criteria: LabCorp Variant Classification Summary - May 2015. Collection method: clinical testing. Allele origin: germline.
Comment: Variant summary: MUTYH c.1484G>C (p.Arg495Pro) results in a non-conservative amino acid change located in the NUDIX hydrolase domain (IPR000086) of the encoded protein sequence. Four of five in-silico tools predict a benign effect of the variant on protein function. The variant was absent in 241088 control chromosomes (gnomAD). The available data on variant occurrences in the general population are insufficient to allow any conclusion about variant significance. To our knowledge, no occurrence of c.1484G>C in individuals affected with MUTYH-Associated Polyposis and no experimental evidence demonstrating its impact on protein function have been reported. ClinVar contains an entry for this variant (Variation ID: 962744). Based on the evidence outlined above, the variant was classified as uncertain significance.

Labcorp Genetics (formerly Invitae), Labcorp
Classification: Uncertain significance for MYH-associated polyposis. Last evaluated: 2019-08-08. Review status: criteria provided, single submitter. Criteria: Invitae Variant Classification Sherloc (09022015). Collection method: clinical testing. Allele origin: germline.
Comment: This sequence change replaces arginine with proline at codon 495 of the MUTYH protein (p.Arg495Pro). The arginine residue is moderately conserved and there is a moderate physicochemical difference between arginine and proline. This variant is not present in population databases (ExAC no frequency). This variant has been reported in individuals in the Universal Mutation Database (PMID: 10612827). Algorithms developed to predict the effect of missense changes on protein structure and function are either unavailable or do not agree on the potential impact of this missense change (SIFT: "Deleterious"; PolyPhen-2: "Benign"; Align-GVGD: "Class C0"). In summary, the available evidence is currently insufficient to determine the role of this variant in disease. Therefore, it has been classified as a Variant of Uncertain Significance.

Literature cited by the submitters: PubMed 10612827 (cited by Labcorp Genetics (formerly Invitae), Labcorp).